The following is an entry in ClinVar:

ClinVar aggregate classification (germline): Pathogenic/Likely pathogenic. Review status: criteria provided, multiple submitters, no conflicts (2 of 4 stars). 2 submissions from 2 submitters: Pathogenic (1); Likely pathogenic (1). Last evaluated 2023-06-15.

Conditions:
Autoinflammatory syndrome, familial, Behcet-like 1 (AIFBL1). Also called: Haploinsufficiency of A20. Identifiers: Orphanet 674762, MedGen C4225218, MONDO:0800045, OMIM 616744.

Submissions (2):

Labcorp Genetics (formerly Invitae), Labcorp
Classification: Pathogenic. Last evaluated: 2023-06-15. Review status: criteria provided, single submitter. Criteria: Invitae Variant Classification Sherloc (09022015). Collection method: clinical testing. Allele origin: germline.
Comment: For these reasons, this variant has been classified as Pathogenic. ClinVar contains an entry for this variant (Variation ID: 1325206). This variant has not been reported in the literature in individuals affected with TNFAIP3-related conditions. This variant is not present in population databases (gnomAD no frequency). This sequence change creates a premature translational stop signal (p.Gly493Profs*32) in the TNFAIP3 gene. It is expected to result in an absent or disrupted protein product. Loss-of-function variants in TNFAIP3 are known to be pathogenic (PMID: 26642243).

Revvity Omics, Revvity
Classification: Likely pathogenic for Autoinflammatory syndrome, familial, Behcet-like 1. Last evaluated: 2021-09-16. Review status: criteria provided, single submitter. Criteria: ACMG Guidelines, 2015. Collection method: clinical testing. Allele origin: germline.

Literature cited by the submitters: PubMed 26642243 (cited by Labcorp Genetics (formerly Invitae), Labcorp).

NM_001270508.2(TNFAIP3):c.1477_1502del (p.Gly493fs)

Gene: TNFAIP3 (TNF alpha induced protein 3; plus strand). Cytogenetic location: 6q23.3.
Variant type: Deletion.
Coding change: c.1477_1502del on transcript NM_001270508.2 (MANE Select); coding-DNA positions 1477 to 1502, 26 bases deleted (GGATTTTGTGAACGTTGCCACAACGC).
Protein change: p.Gly493fs; shifts the reading frame from glycine 493.
Molecular consequence: frameshift variant.
Genome position (GRCh38, 1-based): chr6:137,878,922-137,878,947, GGATTTTGTGAACGTTGCCACAACGC deleted; deleting any 26 consecutive bases within chr6:137,878,921-137,878,947 gives the same sequence; the c. name uses the placement nearest the transcript's 3' end. VCF-style (leftmost placement, unchanged base first): chr6-137878920-ACGGATTTTGTGAACGTTGCCACAACG-A. GRCh37 (hg19) VCF-style: chr6-138200057-ACGGATTTTGTGAACGTTGCCACAACG-A.
Other names: c.1477_1502del, p.Gly493fs (NM_001270507.2, NM_006290.4); short protein forms G493fs.
Identifiers: ClinVar variation 1325206 (VCV001325206.7), dbSNP rs2114501370, ClinGen allele CA2573052606.